The following is an entry in ClinVar:

ClinVar aggregate classification (germline): Likely pathogenic. Review status: criteria provided, single submitter (1 of 4 stars). 2 submissions from 2 submitters: Likely pathogenic (1). 1 of the submissions does not count toward it. Last evaluated 2021-10-28.

Conditions:
Neuronal ceroid lipofuscinosis. Also called: Neuronal Ceroid Lipofuscinoses. Identifiers: Orphanet 216, Orphanet 79263, MedGen C0027877, MONDO:0016295. Disease mechanism: loss of function.
Neuronal ceroid lipofuscinosis 2. Also called: TPP1-Related Neuronal Ceroid-Lipofuscinosis; JANSKY-BIELSCHOWSKY DISEASE NEURONAL CEROID LIPOFUSCINOSIS, LATE INFANTILE. Identifiers: Orphanet 168491, Orphanet 228349, Orphanet 79264, MedGen C1876161, MONDO:0008769, OMIM 204500.

Allele frequency attached by ClinVar (database versions not stated): ExAC 0.00001; gnomAD 0.00001.

Submissions (2):

Women's Health and Genetics/Laboratory Corporation of America, LabCorp
Classification: Likely pathogenic for Neuronal ceroid lipofuscinosis. Last evaluated: 2021-10-28. Review status: criteria provided, single submitter. Criteria: LabCorp Variant Classification Summary - May 2015. Collection method: clinical testing. Allele origin: germline.
Comment: Variant summary: TPP1 c.829G>A (p.Val277Met) results in a conservative amino acid change located in the Sedolisin domain (IPR030400) of the encoded protein sequence. Four of five in-silico tools predict a damaging effect of the variant on protein function. In addition, structural studies predicted this variant as destabilization of alpha 8 and might affect active site (Pal_2009, Guhaniyogi_2009). The variant was absent in 251454 control chromosomes (gnomAD). c.829G>A has been reported in the literature in individuals affected with Neuronal Ceroid-Lipofuscinosis (Ju_2002, Sleat_2016). These data indicate that the variant may be associated with disease. At least one functional study reports this variant showed no measurable TPPI activity (Walus_2010). Additionally, missense variants in nearby residues (L275P, D276V, Q278R, Q278Q) have been reported in the Human Gene Mutation Database in association with Neuronal ceroid lipofuscinosis, supporting the functional importance of this region of the protein. No clinical diagnostic laboratories have submitted clinical-significance assessments for this variant to ClinVar after 2014. Based on the evidence outlined above, the variant was classified as likely pathogenic.

UniProtKB/Swiss-Prot
No classification provided. Condition: Ceroid lipofuscinosis, neuronal, 2. Review status: no classification provided. Collection method: not provided. Allele origin: not provided. Not counted in ClinVar's aggregate classification.

Literature cited by the submitters: PubMed 21990111 (cited by Women's Health and Genetics/Laboratory Corporation of America, LabCorp); PubMed 20340139 (cited by Women's Health and Genetics/Laboratory Corporation of America, LabCorp); PubMed 23418007 (cited by Women's Health and Genetics/Laboratory Corporation of America, LabCorp); PubMed 19038966 (cited by Women's Health and Genetics/Laboratory Corporation of America, LabCorp); PubMed 31283065 (cited by Women's Health and Genetics/Laboratory Corporation of America, LabCorp); PubMed 19038967 (cited by Women's Health and Genetics/Laboratory Corporation of America, LabCorp); PubMed 12414822 (cited by Women's Health and Genetics/Laboratory Corporation of America, LabCorp); PubMed 27553520 (cited by Women's Health and Genetics/Laboratory Corporation of America, LabCorp).

NM_000391.4(TPP1):c.829G>A (p.Val277Met)

Gene: TPP1 (tripeptidyl peptidase 1; minus strand). Cytogenetic location: 11p15.4.
Variant type: single nucleotide variant.
Coding change: c.829G>A on transcript NM_000391.4 (MANE Select); coding-DNA position 829, G replaced by A.
Protein change: p.Val277Met; replaces valine 277 with methionine.
Molecular consequence: missense variant.
Genome position (GRCh38, 1-based): chr11:6,616,718, C>T on the plus strand (G>A on the coding strand, the complement: TPP1 is on the minus strand). VCF-style: chr11-6616718-C-T. GRCh37 (hg19) VCF-style: chr11-6637949-C-T.
Other names: short protein forms V277M.
Identifiers: ClinVar variation 68749 (VCV000068749.2), dbSNP rs121908207, ClinGen allele CA266191.